The following is an entry in ClinVar:

ClinVar aggregate classification (germline): Uncertain significance. Review status: criteria provided, multiple submitters, no conflicts (2 of 4 stars). 2 submissions from 2 submitters: Uncertain significance (2). Last evaluated 2025-12-01.

Conditions:
Inborn genetic diseases. Identifiers: MedGen C0950123, MeSH D030342.
Ullrich congenital muscular dystrophy 2 (UCMD2). Identifiers: Orphanet 75840, MedGen C4225314, MONDO:0014654, OMIM 616470.
Bethlem myopathy 2 (BTHLM2). Identifiers: Orphanet 536516, Orphanet 610, MedGen C4225313, MONDO:0034022, OMIM 616471.

Allele frequency attached by ClinVar (database versions not stated): gnomAD 0.00001; 1000 Genomes Project 30x 0.00016; gnomAD exomes below 0.00001; ExAC 0.00001.
gnomAD v4.1: 2 of 1,613,842 alleles (0.00012%); highest among the groups gnomAD compares: East Asian, 0.0022%; no homozygotes.

Submissions (2):

Labcorp Genetics (formerly Invitae), Labcorp
Classification: Uncertain significance for Bethlem myopathy 2; Ullrich congenital muscular dystrophy 2. Last evaluated: 2025-12-01. Review status: criteria provided, single submitter. Criteria: Invitae Variant Classification Sherloc (09022015). Collection method: clinical testing. Allele origin: germline.
Comment: This sequence change replaces lysine, which is basic and polar, with arginine, which is basic and polar, at codon 1259 of the COL12A1 protein (p.Lys1259Arg). This variant is not present in population databases (gnomAD no frequency). This variant has not been reported in the literature in individuals affected with COL12A1-related conditions. ClinVar contains an entry for this variant (Variation ID: 2939913). Invitae Evidence Modeling of protein sequence and biophysical properties (such as structural, functional, and spatial information, amino acid conservation, physicochemical variation, residue mobility, and thermodynamic stability) indicates that this missense variant is not expected to disrupt COL12A1 protein function with a negative predictive value of 80%. In summary, the available evidence is currently insufficient to determine the role of this variant in disease. Therefore, it has been classified as a Variant of Uncertain Significance.

Ambry Genetics
Classification: Uncertain significance for Inborn genetic diseases. Last evaluated: 2025-01-15. Review status: criteria provided, single submitter. Criteria: Ambry Variant Classification Scheme 2023. Collection method: clinical testing. Allele origin: germline.

NM_004370.6(COL12A1):c.3776A>G (p.Lys1259Arg)

Gene: COL12A1 (collagen type XII alpha 1 chain; minus strand). Cytogenetic location: 6q13.
Variant type: single nucleotide variant.
Coding change: c.3776A>G on transcript NM_004370.6 (MANE Select); coding-DNA position 3776, A replaced by G.
Protein change: p.Lys1259Arg; replaces lysine 1259 with arginine.
Molecular consequence: missense variant.
Genome position (GRCh38, 1-based): chr6:75,152,190, T>C on the plus strand (A>G on the coding strand, the complement: COL12A1 is on the minus strand). VCF-style: chr6-75152190-T-C. GRCh37 (hg19) VCF-style: chr6-75861906-T-C.
Other names: c.3776A>G, p.Lys1259Arg (NM_001424113.1, NM_001424114.1); c.3503A>G, p.Lys1168Arg (NM_001424115.1); c.284A>G, p.Lys95Arg (NM_001424116.1, NM_080645.3); c.3776A>G (NM_004370.5); short protein forms K1168R, K1259R, K95R.
Identifiers: ClinVar variation 2939913 (VCV002939913.4), dbSNP rs752240742, ClinGen allele CA3893623.